The following is an entry in ClinVar:

NM_020320.5(RARS2):c.654T>A (p.Ser218Arg)

Gene: RARS2 (arginyl-tRNA synthetase 2, mitochondrial; minus strand). Cytogenetic location: 6q15.
Variant type: single nucleotide variant.
Coding change: c.654T>A on transcript NM_020320.5 (MANE Select); coding-DNA position 654, T replaced by A.
Protein change: p.Ser218Arg; replaces serine 218 with arginine.
Molecular consequence: missense variant. On other transcripts: non-coding transcript variant (23).
Genome position (GRCh38, 1-based): chr6:87,530,901, A>T on the plus strand (T>A on the coding strand, the complement: RARS2 is on the minus strand). VCF-style: chr6-87530901-A-T. GRCh37 (hg19) VCF-style: chr6-88240619-A-T.
Other names: c.129T>A, p.Ser43Arg (NM_001318785.2, NM_001350506.2, NM_001350507.2 and 4 more transcripts); c.654T>A, p.Ser218Arg (NM_001350505.2); short protein forms S218R, S43R.
Identifiers: ClinVar variation 1396483 (VCV001396483.3), dbSNP rs908357709, ClinGen allele CA142848312.
Genomic context (GRCh38, chr6:87,530,901, plus strand): 5'-AAGTGCTTGCACATCGCCCAGTTCCAATCGTTGGAAGAACTCCTGTGCTGCTTTTGCTAC[A>T]CTTTTATCATCTGCTGCTTCTTTATTAACTTGTACATAAACCTAAAAGTACAATAGTACA-3'
Protein context (NP_064716.2, residues 208-228): QVNKEAADDK[Ser218Arg]VAKAAQEFFQ

ClinVar aggregate classification (germline): Uncertain significance (1 of 4 stars; one submission).

Allele frequency attached by ClinVar (database versions not stated): gnomAD exomes below 0.00001; gnomAD 0.00002 and 0.00003.
gnomAD v4.1: 6 of 1,614,096 alleles (0.00037%); highest among the groups gnomAD compares: African/African-American, 0.008%; no homozygotes.

Submission:

Labcorp Genetics (formerly Invitae), Labcorp
Classification: Uncertain significance. Last evaluated: 2021-10-11. Review status: criteria provided, single submitter. Criteria: Invitae Variant Classification Sherloc (09022015). Collection method: clinical testing. Allele origin: germline.
Comment: This sequence change replaces serine with arginine at codon 218 of the RARS2 protein (p.Ser218Arg). The serine residue is weakly conserved and there is a moderate physicochemical difference between serine and arginine. This variant is not present in population databases (ExAC no frequency). This variant has not been reported in the literature in individuals with RARS2-related conditions. Algorithms developed to predict the effect of missense changes on protein structure and function (SIFT, PolyPhen-2, Align-GVGD) all suggest that this variant is likely to be tolerated, but these predictions have not been confirmed by published functional studies and their clinical significance is uncertain. In summary, the available evidence is currently insufficient to determine the role of this variant in disease. Therefore, it has been classified as a Variant of Uncertain Significance.